The following is an entry in ClinVar:

NM_006306.4(SMC1A):c.800A>G (p.Lys267Arg)

Gene: SMC1A (structural maintenance of chromosomes 1A; minus strand). Cytogenetic location: Xp11.22.
Variant type: single nucleotide variant.
Coding change: c.800A>G on transcript NM_006306.4 (MANE Select); coding-DNA position 800, A replaced by G.
Protein change: p.Lys267Arg; replaces lysine 267 with arginine.
Molecular consequence: missense variant.
Genome position (GRCh38, 1-based): chrX:53,412,954, T>C on the plus strand (A>G on the coding strand, the complement: SMC1A is on the minus strand). VCF-style: chrX-53412954-T-C. GRCh37 (hg19) VCF-style: chrX-53439904-T-C.
Other names: c.734A>G, p.Lys245Arg (NM_001281463.1); short protein forms K267R, K245R.
Identifiers: ClinVar variation 2800214 (VCV002800214.3), dbSNP rs2520961160, ClinGen allele CA413258396.

ClinVar aggregate classification (germline): Uncertain significance (1 of 4 stars; one submission).

Conditions:
Congenital muscular hypertrophy-cerebral syndrome (CDLS2). Also called: Cornelia de Lange syndrome 2; SMC1A-Related Cornelia de Lange Syndrome. Identifiers: Orphanet 199, MedGen C1802395, MONDO:0010370, OMIM 300590.

Allele frequency attached by ClinVar (database versions not stated): gnomAD exomes below 0.00001.
gnomAD v4.1: 1 of 1,193,536 alleles (0.000084%); highest among the groups gnomAD compares: Non-Finnish European, 0.00011%; no homozygotes.

Submission:

Labcorp Genetics (formerly Invitae), Labcorp
Classification: Uncertain significance for Congenital muscular hypertrophy-cerebral syndrome. Last evaluated: 2023-04-22. Review status: criteria provided, single submitter. Criteria: Invitae Variant Classification Sherloc (09022015). Collection method: clinical testing. Allele origin: germline.
Comment: This variant is not present in population databases (gnomAD no frequency). This sequence change replaces lysine, which is basic and polar, with arginine, which is basic and polar, at codon 267 of the SMC1A protein (p.Lys267Arg). This variant has not been reported in the literature in individuals affected with SMC1A-related conditions. Advanced modeling of protein sequence and biophysical properties (such as structural, functional, and spatial information, amino acid conservation, physicochemical variation, residue mobility, and thermodynamic stability) performed at Invitae indicates that this missense variant is not expected to disrupt SMC1A protein function. In summary, the available evidence is currently insufficient to determine the role of this variant in disease. Therefore, it has been classified as a Variant of Uncertain Significance.